The following is an entry in ClinVar:

ClinVar aggregate classification (germline): Pathogenic (1 of 4 stars; one submission).

Conditions:
Hereditary cancer-predisposing syndrome. Also called: Tumor predisposition; Hereditary neoplastic syndrome; Neoplastic Syndromes, Hereditary; Hereditary Cancer Syndrome. Identifiers: Orphanet 140162, MedGen C0027672, MeSH D009386, MONDO:0015356.

Submission:

Labcorp Genetics (formerly Invitae), Labcorp
Classification: Pathogenic for Hereditary cancer-predisposing syndrome. Last evaluated: 2022-10-23. Review status: criteria provided, single submitter. Criteria: Invitae Variant Classification Sherloc (09022015). Collection method: clinical testing. Allele origin: germline.
Comment: This variant is not present in population databases (gnomAD no frequency). This sequence change creates a premature translational stop signal (p.Gln1040Thrfs*17) in the RAD50 gene. It is expected to result in an absent or disrupted protein product. Loss-of-function variants in RAD50 are known to be pathogenic (PMID: 19409520). This variant has not been reported in the literature in individuals affected with RAD50-related conditions. For these reasons, this variant has been classified as Pathogenic.

Literature cited by the submitters: PubMed 19409520.

NM_005732.4(RAD50):c.3117dup (p.Gln1040fs)

Gene: RAD50 (RAD50 double strand break repair protein; plus strand). Cytogenetic location: 5q31.1.
Variant type: Duplication.
Coding change: c.3117dup on transcript NM_005732.4 (MANE Select); coding-DNA position 3117, one base duplicated (A; older notation c.3117dupA).
Protein change: p.Gln1040fs; shifts the reading frame from glutamine 1040.
Molecular consequence: frameshift variant.
Genome position (GRCh38, 1-based): chr5:132,616,083, A duplicated; the last of 4 consecutive A bases (chr5:132,616,080-132,616,083); duplicating any one gives the same sequence. VCF-style (leftmost placement, unchanged base first): chr5-132616079-G-GA. GRCh37 (hg19) VCF-style: chr5-131951771-G-GA.
Other names: short protein forms Q1040fs.
Identifiers: ClinVar variation 1984541 (VCV001984541.4), dbSNP rs2479384434, ClinGen allele CA2580072758.